The following is an entry in ClinVar:

ClinVar aggregate classification (germline): Uncertain significance (1 of 4 stars; one submission).

Conditions:
Spastic paraplegia. Identifiers: MedGen C0037772, HP:0001258.

Submission:

Labcorp Genetics (formerly Invitae), Labcorp
Classification: Uncertain significance for Spastic paraplegia. Last evaluated: 2022-03-01. Review status: criteria provided, single submitter. Criteria: Invitae Variant Classification Sherloc (09022015). Collection method: clinical testing. Allele origin: germline.
Comment: In summary, the available evidence is currently insufficient to determine the role of this variant in disease. Therefore, it has been classified as a Variant of Uncertain Significance. Advanced modeling of protein sequence and biophysical properties (such as structural, functional, and spatial information, amino acid conservation, physicochemical variation, residue mobility, and thermodynamic stability) performed at Invitae indicates that this missense variant is not expected to disrupt CYP2U1 protein function. This variant has not been reported in the literature in individuals affected with CYP2U1-related conditions. This variant is not present in population databases (gnomAD no frequency). This sequence change replaces proline, which is neutral and non-polar, with serine, which is neutral and polar, at codon 314 of the CYP2U1 protein (p.Pro314Ser).

NM_183075.3(CYP2U1):c.940C>T (p.Pro314Ser)

Gene: CYP2U1 (cytochrome P450 family 2 subfamily U member 1; plus strand). Cytogenetic location: 4q25.
Variant type: single nucleotide variant.
Coding change: c.940C>T on transcript NM_183075.3 (MANE Select); coding-DNA position 940, C replaced by T.
Protein change: p.Pro314Ser; replaces proline 314 with serine.
Molecular consequence: missense variant.
Genome position (GRCh38, 1-based): chr4:107,945,419, C>T. VCF-style: chr4-107945419-C-T. GRCh37 (hg19) VCF-style: chr4-108866575-C-T.
Other names: short protein forms P314S.
Identifiers: ClinVar variation 2105329 (VCV002105329.4), dbSNP rs754089373, ClinGen allele CA357837567.